The following is an entry in ClinVar:

ClinVar aggregate classification (germline): Uncertain significance (1 of 4 stars; one submission).

Allele frequency attached by ClinVar (database versions not stated): TOPMed below 0.00001; gnomAD 0.00001; ExAC 0.00002.

Submission:

Ambry Genetics
Classification: Uncertain significance. Last evaluated: 2024-02-22. Review status: criteria provided, single submitter. Criteria: Ambry Variant Classification Scheme 2023. Collection method: clinical testing. Allele origin: germline.
Comment: The p.K64T variant (also known as c.191A>C), located in coding exon 1 of the MNDA gene, results from an A to C substitution at nucleotide position 191. The lysine at codon 64 is replaced by threonine, an amino acid with similar properties. This amino acid position is conserved. In addition, this alteration is predicted to be tolerated by in silico analysis. Since supporting evidence is limited at this time, the clinical significance of this alteration remains unclear.

NM_002432.3(MNDA):c.191A>C (p.Lys64Thr)

Gene: MNDA (myeloid cell nuclear differentiation antigen; plus strand). Cytogenetic location: 1q23.1.
Variant type: single nucleotide variant.
Coding change: c.191A>C on transcript NM_002432.3 (MANE Select); coding-DNA position 191, A replaced by C.
Protein change: p.Lys64Thr; replaces lysine 64 with threonine.
Molecular consequence: missense variant.
Genome position (GRCh38, 1-based): chr1:158,842,344, A>C. VCF-style: chr1-158842344-A-C. GRCh37 (hg19) VCF-style: chr1-158812134-A-C.
Other names: short protein forms K64T.
Identifiers: ClinVar variation 1782625 (VCV001782625.2), dbSNP rs745353658, ClinGen allele CA1185508.
Genomic context (GRCh38, chr1:158,842,344, plus strand): 5'-ACAGAATTAAGATTACAGATTTGATGGAAAAAAAGTTCCAAGGCGTTGCCTGTCTAGACA[A>C]ACTAATAGAACTTGCCAAAGATATGCCATCACTTAAAAACCTTGTTAACAATCTTCGAAA-3'
Protein context (NP_002423.1, residues 54-74): KKFQGVACLD[Lys64Thr]LIELAKDMPS